The following is an entry in ClinVar:

ClinVar aggregate classification (germline): Uncertain significance (1 of 4 stars; one submission).

Submission:

Labcorp Genetics (formerly Invitae), Labcorp
Classification: Uncertain significance. Last evaluated: 2025-11-10. Review status: criteria provided, single submitter. Criteria: Invitae Variant Classification Sherloc (09022015). Collection method: clinical testing. Allele origin: germline.
Comment: This sequence change replaces proline, which is neutral and non-polar, with histidine, which is basic and polar, at codon 1300 of the DCHS1 protein (p.Pro1300His). This variant is not present in population databases (gnomAD no frequency). This variant has not been reported in the literature in individuals affected with DCHS1-related conditions. Invitae Evidence Modeling of protein sequence and biophysical properties (such as structural, functional, and spatial information, amino acid conservation, physicochemical variation, residue mobility, and thermodynamic stability) indicates that this missense variant is not expected to disrupt DCHS1 protein function with a negative predictive value of 80%. In summary, the available evidence is currently insufficient to determine the role of this variant in disease. Therefore, it has been classified as a Variant of Uncertain Significance.

NM_003737.4(DCHS1):c.3899C>A (p.Pro1300His)

Gene: DCHS1 (dachsous cadherin-related 1; minus strand). Cytogenetic location: 11p15.4.
Variant type: single nucleotide variant.
Coding change: c.3899C>A on transcript NM_003737.4 (MANE Select); coding-DNA position 3899, C replaced by A.
Protein change: p.Pro1300His; replaces proline 1300 with histidine.
Molecular consequence: missense variant.
Genome position (GRCh38, 1-based): chr11:6,631,084, G>T on the plus strand (C>A on the coding strand, the complement: DCHS1 is on the minus strand). VCF-style: chr11-6631084-G-T. GRCh37 (hg19) VCF-style: chr11-6652315-G-T.
Other names: short protein forms P1300H.
Identifiers: ClinVar variation 4742974 (VCV004742974.1).